The following is an entry in ClinVar:

NM_020778.5(ALPK3):c.1537T>G (p.Leu513Val)

Genes: ALPK3 (alpha kinase 3; plus strand), LOC111718493 (skeletal muscle cis-regulatory module overlapping ALPK3; plus strand). Cytogenetic location: 15q25.3.
Variant type: single nucleotide variant.
Coding change: c.1537T>G on transcript NM_020778.5 (MANE Select); coding-DNA position 1537, T replaced by G.
Protein change: p.Leu513Val; replaces leucine 513 with valine.
Molecular consequence: missense variant.
Genome position (GRCh38, 1-based): chr15:84,840,816, T>G. VCF-style: chr15-84840816-T-G. GRCh37 (hg19) VCF-style: chr15-85384047-T-G.
Other names: short protein forms L513V.
Identifiers: ClinVar variation 3859375 (VCV003859375.1).
Genomic context (GRCh38, chr15:84,840,816, plus strand): 5'-ACCACTGACAGCAAGCCCATTTCTTCTCTGAGTCAAGCTCCAGAATGCGGGGCCCAGAGC[T>G]TAGGAAAGGCCCCACCTCAGGCCTCTGTGCAGGTGCCGACGCCCCCTGCCCGGCGGAGAC-3'
Protein context (NP_065829.4, residues 503-523): SQAPECGAQS[Leu513Val]GKAPPQASVQ

ClinVar aggregate classification (germline): Uncertain significance (1 of 4 stars; one submission).

Conditions:
Cardiovascular phenotype. Identifiers: MedGen CN230736.

gnomAD v4.1: 1 of 1,614,132 alleles (0.000062%); highest among the groups gnomAD compares: Non-Finnish European, 0.000085%; no homozygotes.

Submission:

Ambry Genetics
Classification: Uncertain significance for Cardiovascular phenotype. Last evaluated: 2025-01-27. Review status: criteria provided, single submitter. Criteria: Ambry Variant Classification Scheme 2023. Collection method: clinical testing. Allele origin: germline.
Comment: The p.L715V variant (also known as c.2143T>G), located in coding exon 5 of the ALPK3 gene, results from a T to G substitution at nucleotide position 2143. The leucine at codon 715 is replaced by valine, an amino acid with highly similar properties. This amino acid position is conserved. In addition, this alteration is predicted to be tolerated by in silico analysis. Based on the available evidence, the clinical significance of this variant remains unclear.